The following is an entry in ClinVar:

NM_000282.4(PCCA):c.1194T>A (p.Cys398Ter)

Gene: PCCA (propionyl-CoA carboxylase subunit alpha; plus strand). Cytogenetic location: 13q32.3.
Variant type: single nucleotide variant.
Coding change: c.1194T>A on transcript NM_000282.4 (MANE Select); coding-DNA position 1194, T replaced by A.
Protein change: p.Cys398Ter; replaces cysteine 398 with a stop codon.
Molecular consequence: nonsense. On other transcripts: non-coding transcript variant (5), intron variant (3).
Genome position (GRCh38, 1-based): chr13:100,301,588, T>A. VCF-style: chr13-100301588-T-A. GRCh37 (hg19) VCF-style: chr13-100953842-T-A.
Other names: c.1116T>A, p.Cys372Ter (NM_001127692.3, NM_001352607.2); c.1194T>A, p.Cys398Ter (NM_001178004.2, NM_001352605.2, NM_001352609.2); c.249T>A, p.Cys83Ter (NM_001352610.2, NM_001352611.2); c.1066-1336T>A (NM_001352606.2); c.121-1336T>A (NM_001352612.2); c.988-1336T>A (NM_001352608.2); short protein forms C372*, C398*, C83*.
Identifiers: ClinVar variation 5013107 (VCV005013107.1).

ClinVar aggregate classification (germline): Pathogenic (1 of 4 stars; one submission).

Conditions:
Propionic acidemia (PROP). Also called: GLYCINEMIA, KETOTIC; HYPERGLYCINEMIA WITH KETOACIDOSIS AND LEUKOPENIA; KETOTIC HYPERGLYCINEMIA. Identifiers: Orphanet 35, MedGen C0268579, MONDO:0011628, OMIM 606054, HP:0003571.

Submission:

Myriad Genetics, Inc.
Classification: Pathogenic for Propionic acidemia. Last evaluated: 2024-05-25. Review status: criteria provided, single submitter. Criteria: Myriad Autosomal Dominant, Autosomal Recessive and X-Linked Classification Criteria (2023). Collection method: clinical testing. Allele origin: unknown.
Comment: NM_000282.3(PCCA):c.1194T>A(C398*) is expected to be pathogenic in the context of PCCA-related propionic acidemia. This variant is predicted to lead to an abnormal or absent protein product due to the creation of a premature termination codon in PCCA, a gene where loss-of-function variants are known to be pathogenic. Please note: this variant was assessed in the context of healthy population screening.